The following is an entry in ClinVar:

ClinVar aggregate classification (germline): Benign/Likely benign. Review status: criteria provided, multiple submitters, no conflicts (2 of 4 stars). 4 submissions from 4 submitters: Benign (1); Likely benign (3). Last evaluated 2026-06-01.

Conditions:
Primary ciliary dyskinesia. Also called: Ciliary dyskinesia. Identifiers: Orphanet 244, MedGen C0008780, MONDO:0016575, HP:0012265.

Allele frequency attached by ClinVar (database versions not stated): ESP Exome Variant Server 0.00115; TOPMed 0.00137; gnomAD 0.00151; 1000 Genomes Project 0.00220; 1000 Genomes Project 30x 0.00250.
gnomAD v4.1: 419 of 1,607,444 alleles (0.026%); highest among the groups gnomAD compares: African/African-American, 0.51%; 1 homozygote.

Submissions (4):

CeGaT Center for Human Genetics Tuebingen
Classification: Likely benign. Last evaluated: 2026-06-01. Review status: criteria provided, single submitter. Criteria: CeGaT Center For Human Genetics Tuebingen Variant Classification Criteria Version 2. Collection method: clinical testing. Allele origin: germline. Affected: yes. Observed: 1 variant allele.
Comment: DNAH11: BP4, BP7

Labcorp Genetics (formerly Invitae), Labcorp
Classification: Benign for Primary ciliary dyskinesia. Last evaluated: 2026-02-01. Review status: criteria provided, single submitter. Criteria: Invitae Variant Classification Sherloc (09022015). Collection method: clinical testing. Allele origin: germline.

Blueprint Genetics
Classification: Likely benign. Last evaluated: 2024-11-06. Review status: criteria provided, single submitter. Criteria: ACMG Guidelines, 2015. Collection method: clinical testing. Allele origin: germline.

Ambry Genetics
Classification: Likely benign for Primary ciliary dyskinesia. Last evaluated: 2022-04-11. Review status: criteria provided, single submitter. Criteria: Ambry Variant Classification Scheme 2023. Collection method: clinical testing. Allele origin: germline.

NM_001277115.2(DNAH11):c.10350C>G (p.Thr3450=)

Gene: DNAH11 (dynein axonemal heavy chain 11; plus strand). Cytogenetic location: 7p15.3.
Variant type: single nucleotide variant.
Coding change: c.10350C>G on transcript NM_001277115.2 (MANE Select); coding-DNA position 10350, C replaced by G.
Protein change: p.Thr3450=; no amino-acid change (threonine 3450 retained).
Molecular consequence: synonymous variant.
Genome position (GRCh38, 1-based): chr7:21,816,484, C>G. VCF-style: chr7-21816484-C-G. GRCh37 (hg19) VCF-style: chr7-21856102-C-G.
Identifiers: ClinVar variation 416429 (VCV000416429.17), dbSNP rs200603138, ClinGen allele CA4182341.